The following is an entry in ClinVar:

ClinVar aggregate classification (germline): Uncertain significance (1 of 4 stars; one submission).

Submission:

Labcorp Genetics (formerly Invitae), Labcorp
Classification: Uncertain significance. Last evaluated: 2025-09-23. Review status: criteria provided, single submitter. Criteria: Invitae Variant Classification Sherloc (09022015). Collection method: clinical testing. Allele origin: germline.
Comment: This sequence change falls in intron 1 of the KLF1 gene. It does not directly change the encoded amino acid sequence of the KLF1 protein. This variant is not present in population databases (gnomAD no frequency). This variant has not been reported in the literature in individuals affected with KLF1-related conditions. Algorithms developed to predict the effect of sequence changes on RNA splicing suggest that this variant may disrupt the consensus splice site. In summary, the available evidence is currently insufficient to determine the role of this variant in disease. Therefore, it has been classified as a Variant of Uncertain Significance.

NM_006563.5(KLF1):c.88-12T>G

Genes: KLF1 (KLF transcription factor 1; minus strand), LOC117125592 (CRISPRi-FlowFISH-validated CALR, DHPS, JUNB, PRDX2, RAD23A, RNASEH2A and WDR83OS regulatory element; plus strand). Cytogenetic location: 19p13.13.
Variant type: single nucleotide variant.
Coding change: c.88-12T>G on transcript NM_006563.5 (MANE Select); 12 bases into the intron before coding-DNA position 88, T replaced by G.
Molecular consequence: intron variant.
Genome position (GRCh38, 1-based): chr19:12,886,154, A>C on the plus strand (T>G on the coding strand, the complement: KLF1 is on the minus strand). VCF-style: chr19-12886154-A-C. GRCh37 (hg19) VCF-style: chr19-12996968-A-C.
Identifiers: ClinVar variation 4727749 (VCV004727749.1).